The following is an entry in ClinVar:

ClinVar aggregate classification (germline): Uncertain significance (1 of 4 stars; one submission).

Submission:

GeneDx
Classification: Uncertain significance. Last evaluated: 2022-09-27. Review status: criteria provided, single submitter. Criteria: GeneDx Variant Classification Process June 2021. Collection method: clinical testing. Allele origin: germline. Affected: yes.
Comment: In-frame duplication of 3 amino acids in a non-repeat region; Not observed at significant frequency in large population cohorts (gnomAD); Has not been previously published as pathogenic or benign to our knowledge

NM_024496.4(IRF2BPL):c.919_927dup (p.Ser309_Ser310insAlaThrSer)

Gene: IRF2BPL (interferon regulatory factor 2 binding protein like; minus strand). Cytogenetic location: 14q24.3.
Variant type: Duplication.
Coding change: c.919_927dup on transcript NM_024496.4 (MANE Select); coding-DNA positions 919 to 927, 9 bases duplicated (GCCACGTCG; older notation c.919_927dupGCCACGTCG).
Protein change: p.Ser309_Ser310insAlaThrSer.
Molecular consequence: inframe insertion.
Genome position (GRCh38, 1-based): chr14:77,026,866-77,026,874, CGACGTGGC duplicated on the plus strand (GCCACGTCG on the coding strand, the reverse complement: IRF2BPL is on the minus strand); duplicating any 9 consecutive bases within chr14:77,026,866-77,026,877 gives the same sequence; the c. name uses the placement nearest the transcript's 3' end. VCF-style (leftmost placement, unchanged base first): chr14-77026865-A-ACGACGTGGC. GRCh37 (hg19) VCF-style: chr14-77493208-A-ACGACGTGGC.
Identifiers: ClinVar variation 2446272 (VCV002446272.1), dbSNP rs2503076968, ClinGen allele CA2580088797.